The following is an entry in ClinVar:

ClinVar aggregate classification (germline): Uncertain significance (1 of 4 stars; one submission).

Submission:

Labcorp Genetics (formerly Invitae), Labcorp
Classification: Uncertain significance. Last evaluated: 2022-04-23. Review status: criteria provided, single submitter. Criteria: Invitae Variant Classification Sherloc (09022015). Collection method: clinical testing. Allele origin: germline.
Comment: In summary, the available evidence is currently insufficient to determine the role of this variant in disease. Therefore, it has been classified as a Variant of Uncertain Significance. Algorithms developed to predict the effect of missense changes on protein structure and function are either unavailable or do not agree on the potential impact of this missense change (SIFT: "Deleterious"; PolyPhen-2: "Possibly Damaging"; Align-GVGD: "Class C0"). This sequence change replaces valine, which is neutral and non-polar, with alanine, which is neutral and non-polar, at codon 54 of the HPS1 protein (p.Val54Ala). This variant is not present in population databases (gnomAD no frequency). This variant has not been reported in the literature in individuals affected with HPS1-related conditions.

NM_000195.5(HPS1):c.161T>C (p.Val54Ala)

Gene: HPS1 (HPS1 biogenesis of lysosomal organelles complex 3 subunit 1; minus strand). Cytogenetic location: 10q24.2.
Variant type: single nucleotide variant.
Coding change: c.161T>C on transcript NM_000195.5 (MANE Select); coding-DNA position 161, T replaced by C.
Protein change: p.Val54Ala; replaces valine 54 with alanine.
Molecular consequence: missense variant. On other transcripts: 5 prime UTR variant (6).
Genome position (GRCh38, 1-based): chr10:98,435,729, A>G on the plus strand (T>C on the coding strand, the complement: HPS1 is on the minus strand). VCF-style: chr10-98435729-A-G. GRCh37 (hg19) VCF-style: chr10-100195486-A-G.
Other names: c.-756T>C (NM_001311345.2); c.161T>C, p.Val54Ala (NM_001322476.2, NM_001322477.2, NM_001322478.2 and 8 more transcripts); c.-66T>C (NM_001322483.2, NM_001322484.2, NM_001322485.2); c.-855T>C (NM_001322487.2); c.-613T>C (NM_001322489.2); short protein forms V54A.
Identifiers: ClinVar variation 2129837 (VCV002129837.4), dbSNP rs2538994757, ClinGen allele CA378055815.